The following is an entry in ClinVar:

ClinVar aggregate classification (germline): Benign/Likely benign. Review status: criteria provided, multiple submitters, no conflicts (2 of 4 stars). 3 submissions from 3 submitters: Benign (1); Likely benign (2). Last evaluated 2026-07-01.

Allele frequency attached by ClinVar (database versions not stated): gnomAD 0.00019; 1000 Genomes Project 0.00020; ExAC 0.00022; gnomAD exomes 0.00022; 1000 Genomes Project 30x 0.00031; ESP Exome Variant Server 0.00031; TOPMed 0.00033.
gnomAD v4.1: 245 of 1,613,966 alleles (0.015%); highest among the groups gnomAD compares: Middle Eastern, 0.13%; 2 homozygotes.

Submissions (3):

CeGaT Center for Human Genetics Tuebingen
Classification: Likely benign. Last evaluated: 2026-07-01. Review status: criteria provided, single submitter. Criteria: CeGaT Center For Human Genetics Tuebingen Variant Classification Criteria Version 2. Collection method: clinical testing. Allele origin: germline. Affected: yes. Observed: 7 variant alleles.
Comment: ATAD3A: BP4, BP7

Women's Health and Genetics/Laboratory Corporation of America, LabCorp
Classification: Benign. Last evaluated: 2026-04-07. Review status: criteria provided, single submitter. Criteria: LabCorp Variant Classification Summary - May 2015. Collection method: clinical testing. Allele origin: germline.

Labcorp Genetics (formerly Invitae), Labcorp
Classification: Likely benign. Last evaluated: 2017-12-28. Review status: criteria provided, single submitter. Criteria: Invitae Variant Classification Sherloc (09022015). Collection method: clinical testing. Allele origin: germline.

NM_001170535.3(ATAD3A):c.1239G>A (p.Ala413=)

Gene: ATAD3A (ATPase family AAA domain containing 3A; plus strand). Cytogenetic location: 1p36.33.
Variant type: single nucleotide variant.
Coding change: c.1239G>A on transcript NM_001170535.3 (MANE Select); coding-DNA position 1239, G replaced by A.
Protein change: p.Ala413=; no amino-acid change (alanine 413 retained).
Molecular consequence: synonymous variant.
Genome position (GRCh38, 1-based): chr1:1,525,264, G>A. VCF-style: chr1-1525264-G-A. GRCh37 (hg19) VCF-style: chr1-1460644-G-A.
Other names: c.1002G>A, p.Ala334= (NM_001170536.3); c.1383G>A, p.Ala461= (NM_018188.5).
Identifiers: ClinVar variation 724024 (VCV000724024.36), dbSNP rs138094382, ClinGen allele CA526283.
Genomic context (GRCh38, chr1:1,525,264, plus strand): 5'-CACTCTCGCCCTGCTTGGCCTCCCTCTCGTTCACAGCCTCCTGCTCTTTGTGGATGAAGC[G>A]GACGCCTTCCTTCGGAAGCGAGCCACCGTGAGTGTCACTAAGCCTCTGGCCACAATGGGG-3'
Protein context (NP_001164006.1, residues 403-423): RRGLLLFVDE[Ala413=]DAFLRKRATE